The following is an entry in ClinVar:

NM_007294.4(BRCA1):c.2231C>T (p.Ala744Val)

Gene: BRCA1 (BRCA1 DNA repair associated; minus strand). Cytogenetic location: 17q21.31.
Variant type: single nucleotide variant.
Coding change: c.2231C>T on transcript NM_007294.4 (MANE Select); coding-DNA position 2231, C replaced by T.
Protein change: p.Ala744Val; replaces alanine 744 with valine.
Molecular consequence: missense variant. On other transcripts: intron variant (137).
Genome position (GRCh38, 1-based): chr17:43,093,300, G>A on the plus strand (C>T on the coding strand, the complement: BRCA1 is on the minus strand). VCF-style: chr17-43093300-G-A. GRCh37 (hg19) VCF-style: chr17-41245317-G-A.
Other names: c.2030C>T, p.Ala677Val (NM_001407862.1); c.2108C>T, p.Ala703Val (NM_001407863.1, NM_001407919.1, NM_001407648.1 and 19 more transcripts); c.2027C>T, p.Ala676Val (NM_001407874.1, NM_001407875.1); c.2021C>T, p.Ala674Val (NM_001407879.1, NM_001407881.1, NM_001407882.1 and 13 more transcripts); c.2018C>T, p.Ala673Val (NM_001407899.1, NM_001407917.1, NM_001407918.1 and 9 more transcripts); c.1967C>T, p.Ala656Val (NM_001407920.1, NM_001407921.1, NM_001407922.1 and 9 more transcripts); c.2231C>T, p.Ala744Val (NM_001407581.1, NM_001407582.1, NM_001407583.1 and 30 more transcripts); c.2228C>T, p.Ala743Val (NM_001407587.1, NM_001407590.1, NM_001407591.1 and 22 more transcripts); and 41 more; short protein forms A697V, A744V, A576V, A674V, A718V, A448V, A617V, A673V.
Identifiers: ClinVar variation 1319808 (VCV001319808.12), dbSNP rs786204220, ClinGen allele CA10597536.

ClinVar aggregate classification (germline): Conflicting classifications of pathogenicity. Review status: criteria provided, conflicting classifications (1 of 4 stars). 3 submissions from 3 submitters: Uncertain significance (2); Likely benign (1). Last evaluated 2023-03-23.

Conditions:
Hereditary cancer-predisposing syndrome. Also called: Hereditary neoplastic syndrome; Neoplastic Syndromes, Hereditary; Tumor predisposition; Hereditary Cancer Syndrome. Identifiers: Orphanet 140162, MedGen C0027672, MeSH D009386, MONDO:0015356.
Hereditary breast ovarian cancer syndrome. Also called: Hereditary breast and/or ovarian cancer syndrome; Hereditary breast and ovarian cancer syndrome; Hereditary breast and ovarian cancer; Breast and ovarian cancer; Hereditary breast and ovarian cancer syndrome (HBOC); BRCA1- and BRCA2-Associated Hereditary Breast and Ovarian Cancer. Identifiers: Orphanet 145, MedGen C0677776, MeSH D061325, MONDO:0003582. Disease mechanism: loss of function.

Allele frequency attached by ClinVar (database versions not stated): TOPMed below 0.00001; gnomAD 0.00001.
gnomAD v4.1: 1 of 1,613,898 alleles (0.000062%); highest among the groups gnomAD compares: Non-Finnish European, 0.000085%; no homozygotes.

Submissions (3):

University of Washington Department of Laboratory Medicine, University of Washington
Classification: Likely benign for Hereditary cancer-predisposing syndrome. Last evaluated: 2023-03-23. Review status: criteria provided, single submitter. Criteria: Dines et al. (Genet Med. 2020). Collection method: curation. Allele origin: germline.
Comment: Missense variant in a coldspot region where missense variants are very unlikely to be pathogenic (PMID:31911673).

BRCA1 coldspot (exon 11 using historical exon numbering). Reclassification based on statistical prior probability

Labcorp Genetics (formerly Invitae), Labcorp
Classification: Uncertain significance for Hereditary breast ovarian cancer syndrome. Last evaluated: 2022-07-25. Review status: criteria provided, single submitter. Criteria: Invitae Variant Classification Sherloc (09022015). Collection method: clinical testing. Allele origin: germline.
Comment: This variant is not present in population databases (gnomAD no frequency). This sequence change replaces alanine, which is neutral and non-polar, with valine, which is neutral and non-polar, at codon 744 of the BRCA1 protein (p.Ala744Val). This variant has not been reported in the literature in individuals affected with BRCA1-related conditions. ClinVar contains an entry for this variant (Variation ID: 1319808). Advanced modeling of protein sequence and biophysical properties (such as structural, functional, and spatial information, amino acid conservation, physicochemical variation, residue mobility, and thermodynamic stability) performed at Invitae indicates that this missense variant is not expected to disrupt BRCA1 protein function. In summary, the available evidence is currently insufficient to determine the role of this variant in disease. Therefore, it has been classified as a Variant of Uncertain Significance.

Institute for Clinical Genetics, University Hospital TU Dresden, University Hospital TU Dresden
Classification: Uncertain significance. Last evaluated: 2021-11-03. Review status: criteria provided, single submitter. Criteria: ACMG Guidelines, 2015. Collection method: clinical testing. Allele origin: germline.